The following is an entry in ClinVar:

NM_001023.4(RPS20):c.154G>A (p.Gly52Arg)

Gene: RPS20 (ribosomal protein S20; minus strand). Cytogenetic location: 8q12.1.
Variant type: single nucleotide variant.
Coding change: c.154G>A on transcript NM_001023.4 (MANE Select); coding-DNA position 154, G replaced by A.
Protein change: p.Gly52Arg; replaces glycine 52 with arginine.
Molecular consequence: missense variant.
Genome position (GRCh38, 1-based): chr8:56,073,718, C>T on the plus strand (G>A on the coding strand, the complement: RPS20 is on the minus strand). VCF-style: chr8-56073718-C-T. GRCh37 (hg19) VCF-style: chr8-56986277-C-T.
Other names: c.154G>A, p.Gly52Arg (NM_001146227.3); short protein forms G52R.
Identifiers: ClinVar variation 653336 (VCV000653336.9), dbSNP rs11537560, ClinGen allele CA177249546.
Genomic context (GRCh38, chr8:56,073,718, plus strand): 5'-AGCAACTCCTACTTCCTGCCCCTCCGATTTACTTTACCTTGGTAGGCATTCGAACTGGTC[C>T]TTTCACTTTGAGATTCTTTTCTTTTGCGCCTCTTATCAAGTCAGCACACACTACAGGAAA-3'
Protein context (NP_001014.1, residues 42-62): GAKEKNLKVK[Gly52Arg]PVRMPTKTLR

ClinVar aggregate classification (germline): Uncertain significance. Review status: criteria provided, multiple submitters, no conflicts (2 of 4 stars). 2 submissions from 2 submitters: Uncertain significance (2). Last evaluated 2025-09-17.

Submissions (2):

Ambry Genetics
Classification: Uncertain significance. Last evaluated: 2025-09-17. Review status: criteria provided, single submitter. Criteria: Ambry Variant Classification Scheme 2023. Collection method: clinical testing. Allele origin: germline.
Comment: The p.G52R variant (also known as c.154G>A), located in coding exon 3 of the RPS20 gene, results from a G to A substitution at nucleotide position 154. The glycine at codon 52 is replaced by arginine, an amino acid with dissimilar properties. This amino acid position is conserved. In addition, this alteration is predicted to be deleterious by in silico analysis. Based on the available evidence, the clinical significance of this variant remains unclear.

Labcorp Genetics (formerly Invitae), Labcorp
Classification: Uncertain significance. Last evaluated: 2018-12-06. Review status: criteria provided, single submitter. Criteria: Invitae Variant Classification Sherloc (09022015). Collection method: clinical testing. Allele origin: germline.
Comment: This sequence change replaces glycine with arginine at codon 52 of the RPS20 protein (p.Gly52Arg). The glycine residue is highly conserved and there is a moderate physicochemical difference between glycine and arginine. In summary, the available evidence is currently insufficient to determine the role of this variant in disease. Therefore, it has been classified as a Variant of Uncertain Significance. Algorithms developed to predict the effect of missense changes on protein structure and function (SIFT, PolyPhen-2, Align-GVGD) all suggest that this variant is likely to be disruptive, but these predictions have not been confirmed by published functional studies and their clinical significance is uncertain. This variant has not been reported in the literature in individuals with RPS20-related conditions. This variant is not present in population databases (ExAC no frequency).